The following is an entry in ClinVar:

NM_004082.5(DCTN1):c.2090G>A (p.Arg697His)

Gene: DCTN1 (dynactin subunit 1; minus strand). Cytogenetic location: 2p13.1.
Variant type: single nucleotide variant.
Coding change: c.2090G>A on transcript NM_004082.5 (MANE Select); coding-DNA position 2090, G replaced by A.
Protein change: p.Arg697His; replaces arginine 697 with histidine.
Molecular consequence: missense variant. On other transcripts: non-coding transcript variant (1).
Genome position (GRCh38, 1-based): chr2:74,367,790, C>T on the plus strand (G>A on the coding strand, the complement: DCTN1 is on the minus strand). VCF-style: chr2-74367790-C-T. GRCh37 (hg19) VCF-style: chr2-74594917-C-T.
Other names: p.Arg697His; c.2090G>A (NM_004082.4); c.2030G>A, p.Arg677His (NM_001135040.3); c.1688G>A, p.Arg563His (NM_001135041.3, NM_023019.4); c.1979G>A, p.Arg660His (NM_001190836.2); c.2069G>A, p.Arg690His (NM_001190837.2); c.2039G>A, p.Arg680His (NM_001378991.1); c.2021G>A, p.Arg674His (NM_001378992.1); short protein forms R690H, R677H, R563H, R674H, R660H, R680H, R697H.
Identifiers: ClinVar variation 1405631 (VCV001405631.11), dbSNP rs758712765, ClinGen allele CA1721956.

ClinVar aggregate classification (germline): Uncertain significance. Review status: criteria provided, multiple submitters, no conflicts (2 of 4 stars). 4 submissions from 4 submitters: Uncertain significance (3). 1 of the submissions does not count toward it. Last evaluated 2024-09-19.

Conditions:
Neuronopathy, distal hereditary motor, type 7B. Also called: NEURONOPATHY, DISTAL HEREDITARY MOTOR, AUTOSOMAL DOMINANT 14; NEURONOPATHY, DISTAL HEREDITARY MOTOR, HARDING TYPE VIIB; NEUROPATHY, DISTAL HEREDITARY MOTOR, HARDING TYPE VIIB; NEUROPATHY, DISTAL HEREDITARY MOTOR, WITH VOCAL CORD PARALYSIS, HARDING TYPE VIIB; Distal Hereditary Motor Neuronopathy Type 7B (dHMN7B); HMN VIIB. Identifiers: Orphanet 139589, MedGen C1843315, MONDO:0011879, OMIM 607641.
Inborn genetic diseases. Identifiers: MedGen C0950123, MeSH D030342.
Amyotrophic lateral sclerosis type 1 (ALS1). Also called: AMYOTROPHIC LATERAL SCLEROSIS 1, FAMILIAL. Identifiers: Orphanet 803, MedGen C1862939, MONDO:0007103, OMIM 105400.
Perry syndrome. Also called: PARKINSONISM WITH ALVEOLAR HYPOVENTILATION AND MENTAL DEPRESSION. Identifiers: Orphanet 178509, MedGen C1868594, MONDO:0008201, OMIM 168605.

Allele frequency attached by ClinVar (database versions not stated): gnomAD exomes 0.00001 and 0.00002; TOPMed 0.00001; gnomAD 0.00003 and 0.00004; ExAC 0.00005.
gnomAD v4.1: 25 of 1,614,020 alleles (0.0015%); highest among the groups gnomAD compares: African/African-American, 0.0093%; no homozygotes.

Submissions (4):

Labcorp Genetics (formerly Invitae), Labcorp
Classification: Uncertain significance for Amyotrophic lateral sclerosis type 1; Neuronopathy, distal hereditary motor, type 7B; Perry syndrome. Last evaluated: 2024-09-19. Review status: criteria provided, single submitter. Criteria: Invitae Variant Classification Sherloc (09022015). Collection method: clinical testing. Allele origin: germline.
Comment: This sequence change replaces arginine, which is basic and polar, with histidine, which is basic and polar, at codon 697 of the DCTN1 protein (p.Arg697His). This variant is present in population databases (rs758712765, gnomAD 0.01%). This variant has not been reported in the literature in individuals affected with DCTN1-related conditions. ClinVar contains an entry for this variant (Variation ID: 1405631). Invitae Evidence Modeling of protein sequence and biophysical properties (such as structural, functional, and spatial information, amino acid conservation, physicochemical variation, residue mobility, and thermodynamic stability) has been performed for this missense variant. However, the output from this modeling did not meet the statistical confidence thresholds required to predict the impact of this variant on DCTN1 protein function. In summary, the available evidence is currently insufficient to determine the role of this variant in disease. Therefore, it has been classified as a Variant of Uncertain Significance.

Mayo Clinic Laboratories, Mayo Clinic
Classification: Uncertain significance. Last evaluated: 2024-08-23. Review status: criteria provided, single submitter. Criteria: ACMG Guidelines, 2015. Collection method: clinical testing. Allele origin: germline. Observed: 1 variant allele.
Comment: PP3

Ambry Genetics
Classification: Uncertain significance for Inborn genetic diseases. Last evaluated: 2023-10-30. Review status: criteria provided, single submitter. Criteria: Ambry Variant Classification Scheme 2023. Collection method: clinical testing. Allele origin: germline.

Next Generation Genetic Polyclinic
Classification: Uncertain significance for Neuronopathy, distal hereditary motor, type 7B. Review status: no assertion criteria provided. Collection method: clinical testing. Allele origin: de novo. Affected: yes. Not counted in ClinVar's aggregate classification.